The following is an entry in ClinVar:

ClinVar aggregate classification (germline): Uncertain significance (1 of 4 stars; one submission).

Allele frequency attached by ClinVar (database versions not stated): gnomAD exomes below 0.00001.
gnomAD v4.1: 4 of 1,578,258 alleles (0.00025%); highest among the groups gnomAD compares: Non-Finnish European, 0.00034%; no homozygotes.

Submission:

Labcorp Genetics (formerly Invitae), Labcorp
Classification: Uncertain significance. Last evaluated: 2025-01-13. Review status: criteria provided, single submitter. Criteria: Invitae Variant Classification Sherloc (09022015). Collection method: clinical testing. Allele origin: germline.
Comment: This sequence change falls in intron 2 of the KIAA0753 gene. It does not directly change the encoded amino acid sequence of the KIAA0753 protein. It affects a nucleotide within the consensus splice site. This variant is not present in population databases (gnomAD no frequency). This variant has not been reported in the literature in individuals affected with KIAA0753-related conditions. ClinVar contains an entry for this variant (Variation ID: 1958089). Variants that disrupt the consensus splice site are a relatively common cause of aberrant splicing (PMID: 17576681, 9536098). Algorithms developed to predict the effect of sequence changes on RNA splicing suggest that this variant may disrupt the consensus splice site. In summary, the available evidence is currently insufficient to determine the role of this variant in disease. Therefore, it has been classified as a Variant of Uncertain Significance.

Literature cited by the submitters: PubMed 17576681; PubMed 9536098.

NM_014804.3(KIAA0753):c.94-3A>G

Gene: KIAA0753 (KIAA0753; minus strand). Cytogenetic location: 17p13.1.
Variant type: single nucleotide variant.
Coding change: c.94-3A>G on transcript NM_014804.3 (MANE Select); 3 bases into the intron before coding-DNA position 94, A replaced by G.
Molecular consequence: intron variant.
Genome position (GRCh38, 1-based): chr17:6,628,744, T>C on the plus strand (A>G on the coding strand, the complement: KIAA0753 is on the minus strand). VCF-style: chr17-6628744-T-C. GRCh37 (hg19) VCF-style: chr17-6532064-T-C.
Other names: c.-1141-3A>G (NM_001351225.2).
Identifiers: ClinVar variation 1958089 (VCV001958089.5), dbSNP rs2544524351, ClinGen allele CA2576143763.